The following is an entry in ClinVar:

NM_032043.3(BRIP1):c.2097+7G>A

Gene: BRIP1 (BRCA1 interacting DNA helicase 1; minus strand). Cytogenetic location: 17q23.2.
Variant type: single nucleotide variant.
Coding change: c.2097+7G>A on transcript NM_032043.3 (MANE Select); 7 bases into the intron after coding-DNA position 2097, G replaced by A.
Molecular consequence: intron variant.
Genome position (GRCh38, 1-based): chr17:61,776,394, C>T on the plus strand (G>A on the coding strand, the complement: BRIP1 is on the minus strand). VCF-style: chr17-61776394-C-T. GRCh37 (hg19) VCF-style: chr17-59853755-C-T.
Other names: p.?.
Identifiers: ClinVar variation 136147 (VCV000136147.90), dbSNP rs4988352, ClinGen allele CA289756.
Genomic context (GRCh38, chr17:61,776,394, plus strand): 5'-TAGCATGCCAATGTTTAAAATGTAAATGATTATTTAAAGGCAAAAGAAACAATAAATATT[C>T]CCTTACCTTGTAAGATGGCAAGAAACACAAAATTCCTTGGCTCACAGTCTGGCACACAGA-3'

ClinVar aggregate classification (germline): Benign/Likely benign. Review status: criteria provided, multiple submitters, no conflicts (2 of 4 stars). 29 submissions from 28 submitters: Benign (8); Likely benign (11). 10 of the submissions do not count toward it. Last evaluated 2026-08-31.

Conditions:
Breast and/or ovarian cancer. Identifiers: MedGen CN221562.
Fanconi anemia complementation group J. Also called: BRIP1-Related Fanconi Anemia. Identifiers: Orphanet 84, MedGen C1836860, MONDO:0012187, OMIM 609054.
Familial cancer of breast. Also called: Hereditary breast cancer; hereditary breast carcinoma; BREAST CANCER, FAMILIAL. Identifiers: Orphanet 227535, MedGen C0346153, MONDO:0016419, OMIM 114480. Disease mechanism: loss of function.
Hereditary cancer-predisposing syndrome. Also called: Neoplastic Syndromes, Hereditary; Tumor predisposition; Hereditary neoplastic syndrome; Hereditary Cancer Syndrome. Identifiers: Orphanet 140162, MedGen C0027672, MeSH D009386, MONDO:0015356.
Ovarian cancer. Also called: OVARIAN CANCER, SOMATIC. Identifiers: Orphanet 213500, MedGen C1140680, MONDO:0008170, OMIM 167000.
Malignant tumor of breast. Also called: Malignant breast neoplasm; Cancer breast. Identifiers: MedGen C0006142, MONDO:0007254. Disease mechanism: loss of function.

Allele frequency attached by ClinVar (database versions not stated): 1000 Genomes Project 0.00220; ESP Exome Variant Server 0.00223; gnomAD exomes 0.00225; TOPMed 0.00235; 1000 Genomes Project 30x 0.00250; ExAC 0.00254; gnomAD 0.00271.
gnomAD v4.1: 4,717 of 1,613,980 alleles (0.29%); highest among the groups gnomAD compares: Non-Finnish European, 0.36%; 14 homozygotes.

Submissions (29):

Institute of Human Genetics, University of Leipzig Medical Center
Classification: Likely benign for Familial cancer of breast. Last evaluated: 2026-08-31. Review status: criteria provided, single submitter. Criteria: ACMG Guidelines, 2015. Collection method: clinical testing. Allele origin: unknown. Inheritance: Autosomal dominant inheritance. Affected: yes.
Comment: Criteria applied: BS1,BP4

CeGaT Center for Human Genetics Tuebingen
Classification: Likely benign. Last evaluated: 2026-07-01. Review status: criteria provided, single submitter. Criteria: CeGaT Center For Human Genetics Tuebingen Variant Classification Criteria Version 2. Collection method: clinical testing. Allele origin: germline. Affected: yes. Observed: 28 variant alleles.
Comment: BRIP1: BP4, BS2

Labcorp Genetics (formerly Invitae), Labcorp
Classification: Benign for Familial cancer of breast; Fanconi anemia complementation group J. Last evaluated: 2026-02-04. Review status: criteria provided, single submitter. Criteria: Invitae Variant Classification Sherloc (09022015). Collection method: clinical testing. Allele origin: germline.

ARUP Laboratories, Molecular Genetics and Genomics, ARUP Laboratories
Classification: Benign. Last evaluated: 2025-07-18. Review status: criteria provided, single submitter. Criteria: ARUP Molecular Germline Variant Investigation Process 2024. Collection method: clinical testing. Allele origin: germline.

Mayo Clinic Laboratories, Mayo Clinic
Classification: Likely benign. Last evaluated: 2025-04-01. Review status: criteria provided, single submitter. Criteria: ACMG Guidelines, 2015. Collection method: clinical testing. Allele origin: germline. Observed: 11 variant alleles.
Comment: BP4, BP7

Center for Genomic Medicine, Rigshospitalet, Copenhagen University Hospital
Classification: Likely benign. Last evaluated: 2025-03-04. Review status: criteria provided, single submitter. Criteria: ACMG Guidelines, 2015. Collection method: clinical testing. Allele origin: germline.

Blueprint Genetics
Classification: Likely benign. Last evaluated: 2024-11-26. Review status: criteria provided, single submitter. Criteria: ACMG Guidelines, 2015. Collection method: clinical testing. Allele origin: germline.

CHEO Genetics Diagnostic Laboratory, Children's Hospital of Eastern Ontario
Classification: Likely benign for Breast and/or ovarian cancer. Last evaluated: 2023-04-25. Review status: criteria provided, single submitter. Criteria: ACMG Guidelines, 2015. Collection method: clinical testing. Allele origin: germline.

Myriad Genetics, Inc.
Classification: Benign for Familial cancer of breast. Last evaluated: 2023-03-01. Review status: criteria provided, single submitter. Criteria: Myriad Autosomal Dominant, Autosomal Recessive and X-Linked Classification Criteria (2023). Collection method: clinical testing. Allele origin: unknown.
Comment: This variant is considered benign. Homozygosity for this variant has been confirmed in one or more individuals lacking clinical features consistent with gene-specific recessive disease, indicating that this variant is unlikely to be pathogenic.

Quest Diagnostics Nichols Institute San Juan Capistrano
Classification: Benign. Last evaluated: 2022-06-30. Review status: criteria provided, single submitter. Criteria: Quest Diagnostics criteria. Collection method: clinical testing. Allele origin: unknown.

Genetic Services Laboratory, University of Chicago
Classification: Benign. Last evaluated: 2021-04-16. Review status: criteria provided, single submitter. Criteria: ACMG Guidelines, 2015. Collection method: clinical testing. Allele origin: germline. Affected: no.

Sema4
Classification: Benign for Hereditary cancer-predisposing syndrome. Last evaluated: 2020-10-19. Review status: criteria provided, single submitter. Criteria: Sema4 Curation Guidelines. Collection method: curation. Allele origin: germline.

Mendelics
Classification: Likely benign for Familial cancer of breast. Last evaluated: 2019-05-28. Review status: criteria provided, single submitter. Criteria: Mendelics Assertion Criteria 2017. Collection method: clinical testing. Allele origin: unknown.

Institute for Biomarker Research, Medical Diagnostic Laboratories, L.L.C.
Classification: Likely benign for Hereditary cancer-predisposing syndrome. Last evaluated: 2018-05-23. Review status: criteria provided, single submitter. Criteria: ACMG Guidelines, 2015. Collection method: clinical testing. Allele origin: germline.

Eurofins Ntd Llc (ga)
Classification: Likely benign. Last evaluated: 2018-03-12. Review status: criteria provided, single submitter. Criteria: EGL ClinVar v180209 classification definitions. Collection method: clinical testing. Allele origin: germline. Observed: 1 variant allele, 1 heterozygote.

Illumina Laboratory Services, Illumina
Classification: Likely benign for Fanconi anemia complementation group J. Last evaluated: 2018-01-12. Review status: criteria provided, single submitter. Criteria: ICSL Variant Classification Criteria 13 December 2019. Collection method: clinical testing. Allele origin: germline.
Comment: This variant was observed in the ICSL laboratory as part of a predisposition screen in an ostensibly healthy population. It had not been previously curated by ICSL or reported in the Human Gene Mutation Database (HGMD: prior to June 1st, 2018), and was therefore a candidate for classification through an automated scoring system. Utilizing variant allele frequency, disease prevalence and penetrance estimates, and inheritance mode, an automated score was calculated to assess if this variant is too frequent to cause the disease. Based on the score and internal cut-off values, a variant classified as likely benign is not then subjected to further curation. The score for this variant resulted in a classification of likely benign for this disease.

PreventionGenetics, part of Exact Sciences
Classification: Benign. Last evaluated: 2017-05-22. Review status: criteria provided, single submitter. Criteria: ACMG Guidelines, 2015. Collection method: clinical testing. Allele origin: germline.

Color Diagnostics, LLC DBA Color Health
Classification: Likely benign for Hereditary cancer-predisposing syndrome. Last evaluated: 2015-03-18. Review status: criteria provided, single submitter. Criteria: ACMG Guidelines, 2015. Collection method: clinical testing. Allele origin: germline.

GeneDx
Classification: Benign. Last evaluated: 2013-10-22. Review status: criteria provided, single submitter. Criteria: GeneDx Variant Classification (06012015). Collection method: clinical testing. Allele origin: germline. Affected: yes.
Comment: This variant is considered likely benign or benign based on one or more of the following criteria: it is a conservative change, it occurs at a poorly conserved position in the protein, it is predicted to be benign by multiple in silico algorithms, and/or has population frequency not consistent with disease.

True Health Diagnostics
Classification: Likely benign for Hereditary cancer-predisposing syndrome. Last evaluated: 2018-06-18. Review status: no assertion criteria provided. Collection method: clinical testing. Allele origin: germline. Not counted in ClinVar's aggregate classification.

Counsyl
Classification: Likely benign for Fanconi anemia complementation group J. Last evaluated: 2016-06-03. Review status: no assertion criteria provided. Collection method: clinical testing. Allele origin: unknown. Not counted in ClinVar's aggregate classification.

Counsyl
Classification: Likely benign for Ovarian cancer. Last evaluated: 2016-06-03. Review status: no assertion criteria provided. Collection method: clinical testing. Allele origin: unknown. Not counted in ClinVar's aggregate classification.

Clinical Genetics DNA and cytogenetics Diagnostics Lab, Erasmus MC, Erasmus Medical Center
Classification: Likely benign. Review status: no assertion criteria provided. Collection method: clinical testing. Allele origin: germline. Affected: yes. Study: VKGL Data-share Consensus. Not counted in ClinVar's aggregate classification.

Clinical Genetics Laboratory, Department of Pathology, Netherlands Cancer Institute
Classification: Likely benign. Review status: no assertion criteria provided. Collection method: clinical testing. Allele origin: germline. Affected: yes. Study: VKGL Data-share Consensus. Not counted in ClinVar's aggregate classification.

Department of Pathology and Laboratory Medicine, Sinai Health System
Classification: Benign for Malignant tumor of breast. Review status: no assertion criteria provided. Collection method: clinical testing. Allele origin: unknown. Affected: yes. Study: The Canadian Open Genetics Repository (COGR). Not counted in ClinVar's aggregate classification.
Comment: The BRIP1 c.2097+7G>A variant was identified in 3 of 436 proband chromosomes (frequency: 0.007) from individuals or families with breast or ovarian cancer and was identified in 1 of 146 control chromosomes (frequency: 0.005) from healthy individuals (Guenard_2008, Rutter_2003, Vahteristo_2006). The variant was also identified in dbSNP (ID: rs4988352) â€šÃ„ÃºWith Uncertain significance alleleâ€šÃ„Ã¹, ClinVar (classified benign by Invitae, GeneDx, likely benign by Counsyl, Quest Diagnostics Nichols Institute San Juan Capistrano and Color Genomics Inc, and uncertain significance by Illumina), Clinvitae (6x), Zhejiang Colon Cancer Database (7x), and was not identified in Cosmic or MutDB. The variant was identified in control databases in 644 of 277018 chromosomes (2 homozygous) at a frequency of 0.002 increasing the likelihood this could be a low frequency benign variant (Genome Aggregation Database Feb 27, 2017). It was observed in the following populations: African in 8 of 24028 chromosomes (freq: 0.0003), Other in 10 of 6462 chromosomes (freq: 0.002), Latino in 72 of 34396 chromosomes (freq: 0.002), European Non-Finnish in 518 (1 homozygous) of 126558 chromosomes (freq: 0.004), European Finnish in 34 (1 homozygous) of 25788 chromosomes (freq: 0.001), and South Asian in 2 of 30780 chromosomes (freq: 0.00007); it was not observed in the Ashkenazi Jewish and East Asian populations. The variant occurs outside of the splicing consensus sequence and in silico or computational prediction software programs (SpliceSiteFinder, MaxEntScan, NNSPLICE, GeneSplicer, HumanSpliceFinder) do not predict a difference in splicing. In summary, based on the above information this variant meets our laboratory's criteria to be classified as benign.

Genome Diagnostics Laboratory, Amsterdam University Medical Center
Classification: Likely benign. Review status: no assertion criteria provided. Collection method: clinical testing. Allele origin: germline. Affected: yes. Study: VKGL Data-share Consensus. Not counted in ClinVar's aggregate classification.

Genome Diagnostics Laboratory, University Medical Center Utrecht
Classification: Likely benign. Review status: no assertion criteria provided. Collection method: clinical testing. Allele origin: germline. Affected: yes. Study: VKGL Data-share Consensus. Not counted in ClinVar's aggregate classification.

Joint Genome Diagnostic Labs from Nijmegen and Maastricht, Radboudumc and MUMC+
Classification: Likely benign. Review status: no assertion criteria provided. Collection method: clinical testing. Allele origin: germline. Affected: yes. Study: VKGL Data-share Consensus. Not counted in ClinVar's aggregate classification.

Laboratory of Diagnostic Genome Analysis, Leiden University Medical Center (LUMC)
Classification: Likely benign. Review status: no assertion criteria provided. Collection method: clinical testing. Allele origin: germline. Affected: yes. Study: VKGL Data-share Consensus. Not counted in ClinVar's aggregate classification.

Literature cited by the submitters: PubMed 12872252 (cited by Quest Diagnostics Nichols Institute San Juan Capistrano and Counsyl); PubMed 16430786 (cited by Quest Diagnostics Nichols Institute San Juan Capistrano and Counsyl); PubMed 18414782 (cited by Quest Diagnostics Nichols Institute San Juan Capistrano); PubMed 12565990 (cited by Quest Diagnostics Nichols Institute San Juan Capistrano).